The following is an entry in ClinVar:

ClinVar aggregate classification (germline): Uncertain significance (1 of 4 stars; one submission).

Submission:

Labcorp Genetics (formerly Invitae), Labcorp
Classification: Uncertain significance. Last evaluated: 2022-07-12. Review status: criteria provided, single submitter. Criteria: Invitae Variant Classification Sherloc (09022015). Collection method: clinical testing. Allele origin: germline.
Comment: In summary, the available evidence is currently insufficient to determine the role of this variant in disease. Therefore, it has been classified as a Variant of Uncertain Significance. Algorithms developed to predict the effect of missense changes on protein structure and function are either unavailable or do not agree on the potential impact of this missense change (SIFT: "Deleterious"; PolyPhen-2: "Not Available"; Align-GVGD: "Class C0"). This variant has not been reported in the literature in individuals affected with PCLO-related conditions. This variant is not present in population databases (gnomAD no frequency). This sequence change replaces serine, which is neutral and polar, with tyrosine, which is neutral and polar, at codon 4222 of the PCLO protein (p.Ser4222Tyr).

NM_033026.6(PCLO):c.12665C>A (p.Ser4222Tyr)

Gene: PCLO (piccolo presynaptic cytomatrix protein; minus strand). Cytogenetic location: 7q21.11.
Variant type: single nucleotide variant.
Coding change: c.12665C>A on transcript NM_033026.6 (MANE Select); coding-DNA position 12665, C replaced by A.
Protein change: p.Ser4222Tyr; replaces serine 4222 with tyrosine.
Molecular consequence: missense variant.
Genome position (GRCh38, 1-based): chr7:82,915,321, G>T on the plus strand (C>A on the coding strand, the complement: PCLO is on the minus strand). VCF-style: chr7-82915321-G-T. GRCh37 (hg19) VCF-style: chr7-82544637-G-T.
Other names: c.12665C>A, p.Ser4222Tyr (NM_014510.3); short protein forms S4222Y.
Identifiers: ClinVar variation 2068777 (VCV002068777.4), dbSNP rs1794421394, ClinGen allele CA367886889.